The following is an entry in ClinVar:

ClinVar aggregate classification (germline): Uncertain significance. Review status: criteria provided, multiple submitters, no conflicts (2 of 4 stars). 2 submissions from 2 submitters: Uncertain significance (2). Last evaluated 2025-03-02.

Conditions:
Hereditary cancer-predisposing syndrome. Also called: Tumor predisposition; Hereditary neoplastic syndrome; Neoplastic Syndromes, Hereditary; Hereditary Cancer Syndrome. Identifiers: Orphanet 140162, MedGen C0027672, MeSH D009386, MONDO:0015356.
Bloom syndrome (BLM). Also called: Bloom-Torre-Machacek syndrome. Identifiers: Orphanet 125, MedGen C0005859, MONDO:0008876, OMIM 210900.

Submissions (2):

Ambry Genetics
Classification: Uncertain significance for Hereditary cancer-predisposing syndrome. Last evaluated: 2025-03-02. Review status: criteria provided, single submitter. Criteria: Ambry Variant Classification Scheme 2023. Collection method: clinical testing. Allele origin: germline.
Comment: The p.I236T variant (also known as c.707T>C), located in coding exon 2 of the BLM gene, results from a T to C substitution at nucleotide position 707. The isoleucine at codon 236 is replaced by threonine, an amino acid with similar properties. This amino acid position is conserved. In addition, the in silico prediction for this alteration is inconclusive. Based on the available evidence, the clinical significance of this variant remains unclear.

Labcorp Genetics (formerly Invitae), Labcorp
Classification: Uncertain significance for Bloom syndrome. Last evaluated: 2024-01-16. Review status: criteria provided, single submitter. Criteria: Invitae Variant Classification Sherloc (09022015). Collection method: clinical testing. Allele origin: germline.
Comment: This sequence change replaces isoleucine, which is neutral and non-polar, with threonine, which is neutral and polar, at codon 236 of the BLM protein (p.Ile236Thr). This variant is not present in population databases (gnomAD no frequency). This variant has not been reported in the literature in individuals affected with BLM-related conditions. ClinVar contains an entry for this variant (Variation ID: 856127). An algorithm developed to predict the effect of missense changes on protein structure and function (PolyPhen-2) suggests that this variant is likely to be tolerated. In summary, the available evidence is currently insufficient to determine the role of this variant in disease. Therefore, it has been classified as a Variant of Uncertain Significance.

NM_000057.4(BLM):c.707T>C (p.Ile236Thr)

Gene: BLM (BLM RecQ like helicase; plus strand). Cytogenetic location: 15q26.1.
Variant type: single nucleotide variant.
Coding change: c.707T>C on transcript NM_000057.4 (MANE Select); coding-DNA position 707, T replaced by C.
Protein change: p.Ile236Thr; replaces isoleucine 236 with threonine.
Molecular consequence: missense variant. On other transcripts: 5 prime UTR variant (1).
Genome position (GRCh38, 1-based): chr15:90,749,975, T>C. VCF-style: chr15-90749975-T-C. GRCh37 (hg19) VCF-style: chr15-91293205-T-C.
Other names: c.707T>C (NM_000057.2); c.707T>C, p.Ile236Thr (NM_001287246.2, NM_001287247.2); c.-585T>C (NM_001287248.2); short protein forms I236T.
Identifiers: ClinVar variation 856127 (VCV000856127.11), dbSNP rs1895634770, ClinGen allele CA393841388.